The following is an entry in ClinVar:

ClinVar aggregate classification (germline): Uncertain significance. Review status: criteria provided, multiple submitters, no conflicts (2 of 4 stars). 2 submissions from 2 submitters: Uncertain significance (2). Last evaluated 2023-11-30.

Conditions:
Familial isolated arrhythmogenic right ventricular dysplasia. Identifiers: Orphanet 217656, MedGen C4274968, MONDO:0016342.
Arrhythmogenic right ventricular dysplasia 11. Also called: Arrhythmogenic Right Ventricular Dysplasia/Cardiomyopathy11; ARRHYTHMOGENIC RIGHT VENTRICULAR DYSPLASIA, FAMILIAL, 11; Arrhythmogenic right ventricular dysplasia 11 with mild palmoplantar keratoderma and woolly hair. Identifiers: MedGen C1864850, MONDO:0012506, OMIM 610476.

Submissions (2):

All of Us Research Program, National Institutes of Health
Classification: Uncertain significance for Familial isolated arrhythmogenic right ventricular dysplasia. Last evaluated: 2023-11-30. Review status: criteria provided, single submitter. Criteria: ACMG Guidelines, 2015. Collection method: clinical testing. Allele origin: germline. Inheritance: Autosomal dominant inheritance. Observed: 1 variant allele, 1 heterozygote.
Comment: This study involves interpretation of variants in research participants for the purpose of population health screening. Participant phenotype was not available at the time of variant classification. Additional details can be found in publication PMID: 35346344, PMCID: PMC8962531

Labcorp Genetics (formerly Invitae), Labcorp
Classification: Uncertain significance for Arrhythmogenic right ventricular dysplasia 11. Last evaluated: 2022-07-03. Review status: criteria provided, single submitter. Criteria: Invitae Variant Classification Sherloc (09022015). Collection method: clinical testing. Allele origin: germline.
Comment: This sequence change replaces lysine, which is basic and polar, with asparagine, which is neutral and polar, at codon 126 of the DSC2 protein (p.Lys126Asn). This variant is not present in population databases (gnomAD no frequency). This variant has not been reported in the literature in individuals affected with DSC2-related conditions. Algorithms developed to predict the effect of missense changes on protein structure and function (SIFT, PolyPhen-2, Align-GVGD) all suggest that this variant is likely to be tolerated. In summary, the available evidence is currently insufficient to determine the role of this variant in disease. Therefore, it has been classified as a Variant of Uncertain Significance.

NM_024422.6(DSC2):c.378A>C (p.Lys126Asn)

Gene: DSC2 (desmocollin 2; minus strand). Cytogenetic location: 18q12.1.
Variant type: single nucleotide variant.
Coding change: c.378A>C on transcript NM_024422.6 (MANE Select); coding-DNA position 378, A replaced by C.
Protein change: p.Lys126Asn; replaces lysine 126 with asparagine.
Molecular consequence: missense variant.
Genome position (GRCh38, 1-based): chr18:31,091,124, T>G on the plus strand (A>C on the coding strand, the complement: DSC2 is on the minus strand). VCF-style: chr18-31091124-T-G. GRCh37 (hg19) VCF-style: chr18-28671087-T-G.
Other names: c.-52A>C (NM_001406506.1, NM_001406507.1); c.378A>C, p.Lys126Asn (NM_004949.5); short protein forms K126N.
Identifiers: ClinVar variation 1926217 (VCV001926217.6), dbSNP rs1987582374, ClinGen allele CA402114447.